The following is an entry in ClinVar:

NM_001605.3(AARS1):c.1538A>G (p.Lys513Arg)

Gene: AARS1 (alanyl-tRNA synthetase 1; minus strand). Cytogenetic location: 16q22.1.
Variant type: single nucleotide variant.
Coding change: c.1538A>G on transcript NM_001605.3 (MANE Select); coding-DNA position 1538, A replaced by G.
Protein change: p.Lys513Arg; replaces lysine 513 with arginine.
Molecular consequence: missense variant.
Genome position (GRCh38, 1-based): chr16:70,262,479, T>C on the plus strand (A>G on the coding strand, the complement: AARS1 is on the minus strand). VCF-style: chr16-70262479-T-C. GRCh37 (hg19) VCF-style: chr16-70296382-T-C.
Other names: short protein forms K513R.
Identifiers: ClinVar variation 2888949 (VCV002888949.3), dbSNP rs2152156683, ClinGen allele CA396560274.
Genomic context (GRCh38, chr16:70,262,479, plus strand): 5'-CAGGTCTTGTCCAGCACCACTCCACACTCCTGGCCTGTGGACACCTCTTCCACGAACATC[T>C]TCTCCCTGCGCAGAGCCATCACCGTAGCCACTGTGTTCTCAAATACTGCTCAAGGGAAAT-3'
Protein context (NP_001596.2, residues 503-523): VATVMALRRE[Lys513Arg]MFVEEVSTGQ

ClinVar aggregate classification (germline): Uncertain significance (1 of 4 stars; one submission).

Conditions:
Charcot-Marie-Tooth disease type 2. Also called: Charcot-Marie-Tooth type 2. Identifiers: Orphanet 64746, MedGen C0270914, MONDO:0018993.

Submission:

Labcorp Genetics (formerly Invitae), Labcorp
Classification: Uncertain significance for Charcot-Marie-Tooth disease type 2. Last evaluated: 2025-02-24. Review status: criteria provided, single submitter. Criteria: Invitae Variant Classification Sherloc (09022015). Collection method: clinical testing. Allele origin: germline.
Comment: This sequence change replaces lysine, which is basic and polar, with arginine, which is basic and polar, at codon 513 of the AARS protein (p.Lys513Arg). This variant is not present in population databases (gnomAD no frequency). This variant has not been reported in the literature in individuals affected with AARS-related conditions. ClinVar contains an entry for this variant (Variation ID: 2888949). Invitae Evidence Modeling of protein sequence and biophysical properties (such as structural, functional, and spatial information, amino acid conservation, physicochemical variation, residue mobility, and thermodynamic stability) indicates that this missense variant is not expected to disrupt AARS protein function with a negative predictive value of 95%. In summary, the available evidence is currently insufficient to determine the role of this variant in disease. Therefore, it has been classified as a Variant of Uncertain Significance.